The following is an entry in ClinVar:

ClinVar aggregate classification (germline): Uncertain significance. Review status: criteria provided, multiple submitters, no conflicts (2 of 4 stars). 2 submissions from 2 submitters: Uncertain significance (2). Last evaluated 2024-07-26.

Conditions:
Early-infantile DEE. Also called: Early infantile epileptic encephalopathy; Ohtahara syndrome; Early infantile epileptic encephalopathy with suppression bursts. Identifiers: Orphanet 1934, MedGen C0393706, MONDO:0800491.

Submissions (2):

Ambry Genetics
Classification: Uncertain significance. Last evaluated: 2024-07-26. Review status: criteria provided, single submitter. Criteria: Ambry Variant Classification Scheme 2023. Collection method: clinical testing. Allele origin: germline.

Labcorp Genetics (formerly Invitae), Labcorp
Classification: Uncertain significance for Early-infantile DEE. Last evaluated: 2023-07-07. Review status: criteria provided, single submitter. Criteria: Invitae Variant Classification Sherloc (09022015). Collection method: clinical testing. Allele origin: germline.
Comment: This variant is not present in population databases (gnomAD no frequency). This variant has not been reported in the literature in individuals affected with ARHGEF15-related conditions. ClinVar contains an entry for this variant (Variation ID: 1499523). Algorithms developed to predict the effect of missense changes on protein structure and function output the following: SIFT: "Not Available"; PolyPhen-2: "Benign"; Align-GVGD: "Not Available". The leucine amino acid residue is found in multiple mammalian species, which suggests that this missense change does not adversely affect protein function. In summary, the available evidence is currently insufficient to determine the role of this variant in disease. Therefore, it has been classified as a Variant of Uncertain Significance. This sequence change replaces proline, which is neutral and non-polar, with leucine, which is neutral and non-polar, at codon 188 of the ARHGEF15 protein (p.Pro188Leu).

NM_173728.4(ARHGEF15):c.563C>T (p.Pro188Leu)

Gene: ARHGEF15 (Rho guanine nucleotide exchange factor 15; plus strand). Cytogenetic location: 17p13.1.
Variant type: single nucleotide variant.
Coding change: c.563C>T on transcript NM_173728.4 (MANE Select); coding-DNA position 563, C replaced by T.
Protein change: p.Pro188Leu; replaces proline 188 with leucine.
Molecular consequence: missense variant.
Genome position (GRCh38, 1-based): chr17:8,312,602, C>T. VCF-style: chr17-8312602-C-T. GRCh37 (hg19) VCF-style: chr17-8215920-C-T.
Other names: c.563C>T, p.Pro188Leu (NM_025014.2); c.563C>T (NM_173728.3); short protein forms P188L.
Identifiers: ClinVar variation 1499523 (VCV001499523.10), dbSNP rs142622501, ClinGen allele CA398015037.